The following is an entry in ClinVar:

NM_004168.4(SDHA):c.117G>C (p.Gly39=)

Gene: SDHA (succinate dehydrogenase complex flavoprotein subunit A; plus strand). Cytogenetic location: 5p15.33.
Variant type: single nucleotide variant.
Coding change: c.117G>C on transcript NM_004168.4 (MANE Select); coding-DNA position 117, G replaced by C.
Protein change: p.Gly39=; no amino-acid change (glycine 39 retained).
Molecular consequence: synonymous variant.
Genome position (GRCh38, 1-based): chr5:223,535, G>C. VCF-style: chr5-223535-G-C. GRCh37 (hg19) VCF-style: chr5-223650-G-C.
Other names: c.117G>C, p.Gly39= (NM_001330758.2, NM_001294332.2).
Identifiers: ClinVar variation 3904708 (VCV003904708.1).

ClinVar aggregate classification (germline): Benign (1 of 4 stars; one submission).

Conditions:
Pheochromocytoma/paraganglioma syndrome 5. Also called: Paragangliomas 5; SDHA-Related Hereditary Paraganglioma-Pheochromocytoma Syndrome. Identifiers: Orphanet 29072, MedGen C3279992, MONDO:0013602, OMIM 614165.

Submission:

Myriad Genetics, Inc.
Classification: Benign for Pheochromocytoma/paraganglioma syndrome 5. Last evaluated: 2025-02-28. Review status: criteria provided, single submitter. Criteria: Myriad Autosomal Dominant, Autosomal Recessive and X-Linked Classification Criteria (2023). Collection method: clinical testing. Allele origin: unknown.
Comment: This variant is considered benign. This variant is a silent/synonymous amino acid change and it is not expected to impact splicing.